The following is an entry in ClinVar:

NM_017841.4(SDHAF2):c.489_*4dup (p.Glu163_Ter167=)

Gene: SDHAF2 (succinate dehydrogenase complex assembly factor 2; plus strand). Cytogenetic location: 11q12.2.
Variant type: Duplication.
Coding change: c.489_*4dup on transcript NM_017841.4 (MANE Select); coding-DNA position 489 through 4 bases downstream of the stop codon, 17 bases duplicated (AAAGCCACGTTGAGCTG).
Protein change: p.Glu163_Ter167=.
Molecular consequence: no sequence alteration.
Genome position (GRCh38, 1-based): chr11:61,446,059-61,446,075, AAAGCCACGTTGAGCTG duplicated. VCF-style (leftmost placement, unchanged base first): chr11-61446058-A-AAAAGCCACGTTGAGCTG. GRCh37 (hg19) VCF-style: chr11-61213530-A-AAAAGCCACGTTGAGCTG.
Other names: c.489_*4dupAAAGCCACGTTGAGCTG (NM_017841.2).
Identifiers: ClinVar variation 3683213 (VCV003683213.3).

ClinVar aggregate classification (germline): Uncertain significance. Review status: criteria provided, multiple submitters, no conflicts (2 of 4 stars). 2 submissions from 2 submitters: Uncertain significance (2). Last evaluated 2026-01-08.

Conditions:
Hereditary pheochromocytoma and paraganglioma. Also called: Hereditary paragangliomas and pheochromocytomas; Hereditary Paraganglioma-Pheochromocytoma Syndromes; Hereditary pheochromocytoma-paraganglioma. Identifiers: Orphanet 29072, MedGen C4274332, MONDO:0017366.
Hereditary cancer-predisposing syndrome. Also called: Tumor predisposition; Hereditary Cancer Syndrome; Neoplastic Syndromes, Hereditary; Hereditary neoplastic syndrome. Identifiers: Orphanet 140162, MedGen C0027672, MeSH D009386, MONDO:0015356.

Submissions (2):

Ambry Genetics
Classification: Uncertain significance for Hereditary cancer-predisposing syndrome. Last evaluated: 2026-01-08. Review status: criteria provided, single submitter. Criteria: Ambry Variant Classification Scheme 2023. Collection method: clinical testing. Allele origin: germline.
Comment: The c.489_*4dup17 gross duplication includes at least a portion of coding exon 4 through at least a portion of the 3&rsquo; untranslated region (UTR) in the SDHAF2 gene. Clinical correlation is advised. Although gross duplications are likely to occur in tandem, gross duplications that include the UTR are expected to have intact full gene sequences in addition to the duplicated sequence (Richardson ME et al. Genet. Med. 2019 03;21(3):683-693; Newman S et al. Am J Hum Genet. 2015 Feb 5;96(2):208-20). It is unknown whether the duplicated material impacts protein sequence or otherwise affects transcriptional/translational regulatory elements. Based on the available evidence, the clinical significance of this alteration remains unclear.

Labcorp Genetics (formerly Invitae), Labcorp
Classification: Uncertain significance for Hereditary pheochromocytoma and paraganglioma. Last evaluated: 2024-03-23. Review status: criteria provided, single submitter. Criteria: Invitae Variant Classification Sherloc (09022015). Collection method: clinical testing. Allele origin: germline.
Comment: This variant occurs in a non-coding region of the SDHAF2 gene. It does not change the encoded amino acid sequence of the SDHAF2 protein. This variant is present in population databases (rs773301877, gnomAD 0.003%). This variant has not been reported in the literature in individuals affected with SDHAF2-related conditions. Experimental studies and prediction algorithms are not available or were not evaluated, and the functional significance of this variant is currently unknown. In summary, the available evidence is currently insufficient to determine the role of this variant in disease. Therefore, it has been classified as a Variant of Uncertain Significance.